The following is an entry in ClinVar:

NM_032444.4(SLX4):c.2047G>C (p.Ala683Pro)

Gene: SLX4 (SLX4 structure-specific endonuclease subunit; minus strand). Cytogenetic location: 16p13.3.
Variant type: single nucleotide variant.
Coding change: c.2047G>C on transcript NM_032444.4 (MANE Select); coding-DNA position 2047, G replaced by C.
Protein change: p.Ala683Pro; replaces alanine 683 with proline.
Molecular consequence: missense variant.
Genome position (GRCh38, 1-based): chr16:3,594,566, C>G on the plus strand (G>C on the coding strand, the complement: SLX4 is on the minus strand). VCF-style: chr16-3594566-C-G. GRCh37 (hg19) VCF-style: chr16-3644567-C-G.
Other names: short protein forms A683P.
Identifiers: ClinVar variation 1483759 (VCV001483759.4), dbSNP rs115866745, ClinGen allele CA394526249.

ClinVar aggregate classification (germline): Uncertain significance. Review status: criteria provided, multiple submitters, no conflicts (2 of 4 stars). 2 submissions from 2 submitters: Uncertain significance (2). Last evaluated 2022-04-01.

Conditions:
Fanconi anemia complementation group P. Also called: SLX4-Related Fanconi Anemia. Identifiers: Orphanet 84, MedGen C3469542, MONDO:0013499, OMIM 613951.
Fanconi anemia (FA). Also called: Fanconi's anemia. Identifiers: Orphanet 84, MedGen C0015625, MeSH D005199, MONDO:0019391.

Submissions (2):

Fulgent Genetics
Classification: Uncertain significance for Fanconi anemia complementation group P. Last evaluated: 2022-04-01. Review status: criteria provided, single submitter. Criteria: ACMG Guidelines, 2015. Collection method: clinical testing. Allele origin: unknown.

Labcorp Genetics (formerly Invitae), Labcorp
Classification: Uncertain significance for Fanconi anemia. Last evaluated: 2021-09-24. Review status: criteria provided, single submitter. Criteria: Invitae Variant Classification Sherloc (09022015). Collection method: clinical testing. Allele origin: germline.
Comment: This sequence change replaces alanine with proline at codon 683 of the SLX4 protein (p.Ala683Pro). The alanine residue is moderately conserved and there is a small physicochemical difference between alanine and proline. This variant is not present in population databases (ExAC no frequency). This variant has not been reported in the literature in individuals affected with SLX4-related conditions. Algorithms developed to predict the effect of missense changes on protein structure and function are either unavailable or do not agree on the potential impact of this missense change (SIFT: "Tolerated"; PolyPhen-2: "Probably Damaging"; Align-GVGD: "Class C0"). In summary, the available evidence is currently insufficient to determine the role of this variant in disease. Therefore, it has been classified as a Variant of Uncertain Significance.